The following is an entry in ClinVar:

ClinVar aggregate classification (germline): Likely benign (1 of 4 stars; one submission).

Submission:

CeGaT Center for Human Genetics Tuebingen
Classification: Likely benign. Last evaluated: 2023-06-01. Review status: criteria provided, single submitter. Criteria: CeGaT Center For Human Genetics Tuebingen Variant Classification Criteria Version 2. Collection method: clinical testing. Allele origin: germline. Affected: yes. Observed: 1 variant allele.
Comment: AGAP4: BP4, BP7

NM_001276343.3(AGAP4):c.1290G>A (p.Glu430=)

Gene: AGAP4 (ArfGAP with GTPase domain, ankyrin repeat and PH domain 4; minus strand). Cytogenetic location: 10q11.22.
Variant type: single nucleotide variant.
Coding change: c.1290G>A on transcript NM_001276343.3 (MANE Select); coding-DNA position 1290, G replaced by A.
Protein change: p.Glu430=; no amino-acid change (glutamic acid 430 retained).
Molecular consequence: synonymous variant. On other transcripts: non-coding transcript variant (3), 3 prime UTR variant (1).
Genome position (GRCh38, 1-based): chr10:45,826,686, C>T on the plus strand (G>A on the coding strand, the complement: AGAP4 is on the minus strand). VCF-style: chr10-45826686-C-T. GRCh37 (hg19) VCF-style: chr10-46322134-C-T.
Other names: c.966G>A, p.Glu322= (NM_001291379.2); c.1173G>A, p.Glu391= (NM_001393377.1); c.*743G>A (NM_001393378.1); c.1221G>A, p.Glu407= (NM_133446.4).
Identifiers: ClinVar variation 2640430 (VCV002640430.24), dbSNP rs782486158, ClinGen allele CA5483406.